The following is an entry in ClinVar:

ClinVar aggregate classification (germline): Uncertain significance (1 of 4 stars; one submission).

gnomAD v4.1: 4 of 1,589,102 alleles (0.00025%); highest among the groups gnomAD compares: Non-Finnish European, 0.00026%; no homozygotes.

Submission:

Labcorp Genetics (formerly Invitae), Labcorp
Classification: Uncertain significance. Last evaluated: 2024-09-16. Review status: criteria provided, single submitter. Criteria: Invitae Variant Classification Sherloc (09022015). Collection method: clinical testing. Allele origin: germline.
Comment: This sequence change replaces glutamic acid, which is acidic and polar, with valine, which is neutral and non-polar, at codon 862 of the COL4A2 protein (p.Glu862Val). This variant is present in population databases (rs781440001, gnomAD 0.002%). This variant has not been reported in the literature in individuals affected with COL4A2-related conditions. An algorithm developed to predict the effect of missense changes on protein structure and function (PolyPhen-2) suggests that this variant is likely to be tolerated. In summary, the available evidence is currently insufficient to determine the role of this variant in disease. Therefore, it has been classified as a Variant of Uncertain Significance.

NM_001846.4(COL4A2):c.2585A>T (p.Glu862Val)

Gene: COL4A2 (collagen type IV alpha 2 chain; plus strand). Cytogenetic location: 13q34.
Variant type: single nucleotide variant.
Coding change: c.2585A>T on transcript NM_001846.4 (MANE Select); coding-DNA position 2585, A replaced by T.
Protein change: p.Glu862Val; replaces glutamic acid 862 with valine.
Molecular consequence: missense variant.
Genome position (GRCh38, 1-based): chr13:110,478,162, A>T. VCF-style: chr13-110478162-A-T. GRCh37 (hg19) VCF-style: chr13-111130509-A-T.
Other names: short protein forms E862V.
Identifiers: ClinVar variation 3622402 (VCV003622402.2).